The following is an entry in ClinVar:

ClinVar aggregate classification (germline): Likely benign. Review status: criteria provided, multiple submitters, no conflicts (2 of 4 stars). 2 submissions from 2 submitters: Likely benign (2). Last evaluated 2025-09-22.

gnomAD v4.1: 731 of 1,613,572 alleles (0.045%); highest among the groups gnomAD compares: Middle Eastern, 0.05%; no homozygotes.

Submissions (2):

Women's Health and Genetics/Laboratory Corporation of America, LabCorp
Classification: Likely benign. Last evaluated: 2025-09-22. Review status: criteria provided, single submitter. Criteria: LabCorp Variant Classification Summary - May 2015. Collection method: clinical testing. Allele origin: germline.

Mayo Clinic Laboratories, Mayo Clinic
Classification: Likely benign. Last evaluated: 2025-01-08. Review status: criteria provided, single submitter. Criteria: ACMG Guidelines, 2015. Collection method: clinical testing. Allele origin: germline. Observed: 1 variant allele.
Comment: BP4, BP7

NM_002801.4(PSMB10):c.558+10C>T

Gene: PSMB10 (proteasome 20S subunit beta 10; minus strand). Cytogenetic location: 16q22.1.
Variant type: single nucleotide variant.
Coding change: c.558+10C>T on transcript NM_002801.4 (MANE Select); 10 bases into the intron after coding-DNA position 558, C replaced by T.
Molecular consequence: intron variant.
Genome position (GRCh38, 1-based): chr16:67,935,410, G>A on the plus strand (C>T on the coding strand, the complement: PSMB10 is on the minus strand). VCF-style: chr16-67935410-G-A. GRCh37 (hg19) VCF-style: chr16-67969313-G-A.
Other names: p.?.
Identifiers: ClinVar variation 4536083 (VCV004536083.2).